The following is an entry in ClinVar:

NM_013450.4(BAZ2B):c.6256C>G (p.Leu2086Val)

Gene: BAZ2B (bromodomain adjacent to zinc finger domain 2B; minus strand). Cytogenetic location: 2q24.2.
Variant type: single nucleotide variant.
Coding change: c.6256C>G on transcript NM_013450.4 (MANE Select); coding-DNA position 6256, C replaced by G.
Protein change: p.Leu2086Val; replaces leucine 2086 with valine.
Molecular consequence: missense variant.
Genome position (GRCh38, 1-based): chr2:159,324,908, G>C on the plus strand (C>G on the coding strand, the complement: BAZ2B is on the minus strand). VCF-style: chr2-159324908-G-C. GRCh37 (hg19) VCF-style: chr2-160181419-G-C.
Other names: c.6148C>G, p.Leu2050Val (NM_001289975.1); c.6199C>G, p.Leu2067Val (NM_001329857.2); c.6181C>G, p.Leu2061Val (NM_001329858.2); short protein forms L2050V, L2061V, L2067V, L2086V.
Identifiers: ClinVar variation 985553 (VCV000985553.4), dbSNP rs1226362424, ClinGen allele CA348920347.

ClinVar aggregate classification (germline): Uncertain significance (1 of 4 stars; one submission).

Conditions:
Inborn genetic diseases. Identifiers: MedGen C0950123, MeSH D030342.

Allele frequency attached by ClinVar (database versions not stated): TOPMed below 0.00001.
gnomAD v4.1: 1 of 1,559,324 alleles (0.000064%); highest among the groups gnomAD compares: Non-Finnish European, 0.000086%; no homozygotes.

Submission:

Ambry Genetics
Classification: Uncertain significance for Inborn genetic diseases. Last evaluated: 2020-04-16. Review status: criteria provided, single submitter. Criteria: Ambry Variant Classification Scheme 2023. Collection method: clinical testing. Allele origin: germline.
Comment: The alteration results in an amino acid change:_x000D_ _x000D_ The c.6256C>G (p.L2086V) alteration is located in exon 36 (coding exon 34) of the BAZ2B gene. This alteration results from a C to G substitution at nucleotide position 6256, causing the leucine (L) at amino acid position 2086 to be replaced by a valine (V). The alteration is not observed in population database:_x000D_ _x000D_ Based on data from the Genome Aggregation Database (gnomAD), the BAZ2B c.6256C>G alteration was not observed, with coverage at this position. The altered amino acid is conserved throughout evolution:_x000D_ _x000D_ The p.L2086 amino acid is conserved in available vertebrate species. The alteration is predicted tolerated by in silico modeling:_x000D_ _x000D_ The p.L2086V alteration is predicted to be tolerated by in silico analysis. Based on insufficient or conflicting evidence, the clinical significance of this alteration remains unclear.